The following is an entry in ClinVar:

NM_000414.4(HSD17B4):c.278T>C (p.Ile93Thr)

Gene: HSD17B4 (hydroxysteroid 17-beta dehydrogenase 4; plus strand). Cytogenetic location: 5q23.1.
Variant type: single nucleotide variant.
Coding change: c.278T>C on transcript NM_000414.4 (MANE Select); coding-DNA position 278, T replaced by C.
Protein change: p.Ile93Thr; replaces isoleucine 93 with threonine.
Molecular consequence: missense variant. On other transcripts: 5 prime UTR variant (1).
Genome position (GRCh38, 1-based): chr5:119,474,458, T>C. VCF-style: chr5-119474458-T-C. GRCh37 (hg19) VCF-style: chr5-118810153-T-C.
Other names: c.353T>C, p.Ile118Thr (NM_001199291.3); c.224T>C, p.Ile75Thr (NM_001199292.2); c.206T>C, p.Ile69Thr (NM_001292027.2); c.-134T>C (NM_001292028.2); short protein forms I93T, I69T, I118T, I75T.
Identifiers: ClinVar variation 500977 (VCV000500977.8), dbSNP rs544455125, ClinGen allele CA3381742.

ClinVar aggregate classification (germline): Uncertain significance. Review status: criteria provided, multiple submitters, no conflicts (2 of 4 stars). 4 submissions from 4 submitters: Uncertain significance (3). 1 of the submissions does not count toward it. Last evaluated 2025-02-11.

Conditions:
Bifunctional peroxisomal enzyme deficiency (DBIF). Also called: DBP DEFICIENCY; PBFE DEFICIENCY; D-bifunctional protein deficiency. Identifiers: Orphanet 300, MedGen C0342870, MONDO:0009855, OMIM 261515. Disease mechanism: loss of function.
Perrault syndrome. Also called: Gonadal dysgenesis with auditory dysfunction, autosomal recessive inheritance. Identifiers: Orphanet 2855, MedGen C0685838, MONDO:0017312.

Allele frequency attached by ClinVar (database versions not stated): gnomAD exomes 0.00001 and 0.00005; 1000 Genomes Project 30x 0.00031; gnomAD 0.00001 and 0.00002; ExAC 0.00005; 1000 Genomes Project 0.00040; TOPMed 0.00002.
gnomAD v4.1: 22 of 1,590,622 alleles (0.0014%); highest among the groups gnomAD compares: East Asian, 0.031%; no homozygotes.

Submissions (4):

GeneDx
Classification: Uncertain significance. Last evaluated: 2025-02-11. Review status: criteria provided, single submitter. Criteria: GeneDx Variant Classification Process June 2021. Collection method: clinical testing. Allele origin: germline. Affected: yes.
Comment: In silico analysis supports that this missense variant has a deleterious effect on protein structure/function; Has not been previously published as pathogenic or benign to our knowledge

Labcorp Genetics (formerly Invitae), Labcorp
Classification: Uncertain significance for Perrault syndrome; Bifunctional peroxisomal enzyme deficiency. Last evaluated: 2021-08-24. Review status: criteria provided, single submitter. Criteria: Invitae Variant Classification Sherloc (09022015). Collection method: clinical testing. Allele origin: germline.
Comment: This sequence change replaces isoleucine with threonine at codon 93 of the HSD17B4 protein (p.Ile93Thr). The isoleucine residue is highly conserved and there is a moderate physicochemical difference between isoleucine and threonine. This variant is present in population databases (rs544455125, ExAC 0.07%). This variant has not been reported in the literature in individuals affected with HSD17B4-related conditions. ClinVar contains an entry for this variant (Variation ID: 500977). Algorithms developed to predict the effect of missense changes on protein structure and function (SIFT, PolyPhen-2, Align-GVGD) all suggest that this variant is likely to be disruptive. In summary, the available evidence is currently insufficient to determine the role of this variant in disease. Therefore, it has been classified as a Variant of Uncertain Significance.

Eurofins Ntd Llc (ga)
Classification: Uncertain significance. Last evaluated: 2017-03-21. Review status: criteria provided, single submitter. Criteria: EGL Classification Definitions 2015. Collection method: clinical testing. Allele origin: germline. Observed: 1 variant allele, 1 heterozygote.

Natera, Inc.
Classification: Uncertain significance for Bifunctional peroxisomal enzyme deficiency. Last evaluated: 2019-10-28. Review status: no assertion criteria provided. Collection method: clinical testing. Allele origin: germline. Not counted in ClinVar's aggregate classification.